The following is an entry in ClinVar:

ClinVar aggregate classification (germline): Uncertain significance (1 of 4 stars; one submission).

Conditions:
Hereditary cancer-predisposing syndrome. Also called: Tumor predisposition; Hereditary neoplastic syndrome; Neoplastic Syndromes, Hereditary; Hereditary Cancer Syndrome. Identifiers: Orphanet 140162, MedGen C0027672, MeSH D009386, MONDO:0015356.

gnomAD v4.1: 1 of 1,613,702 alleles (0.000062%); highest among the groups gnomAD compares: Non-Finnish European, 0.000085%; no homozygotes.

Submission:

Ambry Genetics
Classification: Uncertain significance for Hereditary cancer-predisposing syndrome. Last evaluated: 2025-04-21. Review status: criteria provided, single submitter. Criteria: Ambry Variant Classification Scheme 2023. Collection method: clinical testing. Allele origin: germline.
Comment: The p.D184G variant (also known as c.551A>G), located in coding exon 5 of the BRIP1 gene, results from an A to G substitution at nucleotide position 551. The aspartic acid at codon 184 is replaced by glycine, an amino acid with similar properties. This amino acid position is conserved. In addition, the in silico prediction for this alteration is inconclusive. Based on the available evidence, the clinical significance of this variant remains unclear.

NM_032043.3(BRIP1):c.551A>G (p.Asp184Gly)

Gene: BRIP1 (BRCA1 interacting DNA helicase 1; minus strand). Cytogenetic location: 17q23.2.
Variant type: single nucleotide variant.
Coding change: c.551A>G on transcript NM_032043.3 (MANE Select); coding-DNA position 551, A replaced by G.
Protein change: p.Asp184Gly; replaces aspartic acid 184 with glycine.
Molecular consequence: missense variant.
Genome position (GRCh38, 1-based): chr17:61,847,177, T>C on the plus strand (A>G on the coding strand, the complement: BRIP1 is on the minus strand). VCF-style: chr17-61847177-T-C. GRCh37 (hg19) VCF-style: chr17-59924538-T-C.
Other names: short protein forms D184G.
Identifiers: ClinVar variation 3993151 (VCV003993151.1).